The following is an entry in ClinVar:

ClinVar aggregate classification (germline): Conflicting classifications of pathogenicity. Review status: criteria provided, conflicting classifications (1 of 4 stars). 7 submissions from 7 submitters: Uncertain significance (2); Likely benign (4). 1 of the submissions does not count toward it. Last evaluated 2026-04-14.

Conditions:
ABCB11-related disorder. Also called: ABCB11-related condition.
Familial intrahepatic cholestasis. Identifiers: Orphanet 284385, MedGen CN296401, MONDO:0017290.
Progressive familial intrahepatic cholestasis type 2. Identifiers: Orphanet 79304, MedGen C3489789, MONDO:0011156, OMIM 601847.

Allele frequency attached by ClinVar (database versions not stated): ExAC 0.00016; ESP Exome Variant Server 0.00017; gnomAD 0.00036; 1000 Genomes Project 0.00040; 1000 Genomes Project 30x 0.00047; TOPMed 0.00048.
gnomAD v4.1: 366 of 1,614,006 alleles (0.023%); highest among the groups gnomAD compares: Middle Eastern, 0.23%; no homozygotes.

Submissions (7):

Genomenon, Inc
Classification: Likely benign for Familial intrahepatic cholestasis. Last evaluated: 2026-04-14. Review status: criteria provided, single submitter. Criteria: Genomenon Sequence Variant Interpretation Standards - Updated. Collection method: curation. Allele origin: germline. Affected: no.
Comment: ABCB11 c.2907G>A is a synonymous variant that retains Lysine at residue 969. This variant has been reported in the published literature (PMID:28733223;16890614). This synonymous variant is not predicted to impact splicing. In conclusion, we classify ABCB11 p.Lys969= (c.2907G>A) as a likely benign variant.

CeGaT Center for Human Genetics Tuebingen
Classification: Likely benign. Last evaluated: 2026-04-01. Review status: criteria provided, single submitter. Criteria: CeGaT Center For Human Genetics Tuebingen Variant Classification Criteria Version 2. Collection method: clinical testing. Allele origin: germline. Affected: yes. Observed: 1 variant allele.
Comment: ABCB11: BP4, BP7

Labcorp Genetics (formerly Invitae), Labcorp
Classification: Likely benign. Last evaluated: 2026-02-02. Review status: criteria provided, single submitter. Criteria: Invitae Variant Classification Sherloc (09022015). Collection method: clinical testing. Allele origin: germline.

GeneDx
Classification: Likely benign. Last evaluated: 2018-02-15. Review status: criteria provided, single submitter. Criteria: GeneDx Variant Classification (06012015). Collection method: clinical testing. Allele origin: germline. Affected: yes.
Comment: This variant is considered likely benign or benign based on one or more of the following criteria: it is a conservative change, it occurs at a poorly conserved position in the protein, it is predicted to be benign by multiple in silico algorithms, and/or has population frequency not consistent with disease.

Illumina Laboratory Services, Illumina
Classification: Uncertain significance for Progressive familial intrahepatic cholestasis type 2. Last evaluated: 2018-01-13. Review status: criteria provided, single submitter. Criteria: ICSL Variant Classification Criteria 13 December 2019. Collection method: clinical testing. Allele origin: germline.

Eurofins Ntd Llc (ga)
Classification: Uncertain significance. Last evaluated: 2017-11-27. Review status: criteria provided, single submitter. Criteria: EGL Classification Definitions 2015. Collection method: clinical testing. Allele origin: germline. Observed: 3 variant alleles, 3 heterozygotes.

PreventionGenetics, part of Exact Sciences
Classification: Likely benign for ABCB11-related condition. Last evaluated: 2019-10-11. Review status: no assertion criteria provided. Collection method: clinical testing. Allele origin: germline. Not counted in ClinVar's aggregate classification.
Comment: This variant is classified as likely benign based on ACMG/AMP sequence variant interpretation guidelines (Richards et al. 2015 PMID: 25741868, with internal and published modifications).

Literature cited by the submitters: PubMed 28733223 (cited by Genomenon, Inc); PubMed 16890614 (cited by Genomenon, Inc).

NM_003742.4(ABCB11):c.2907G>A (p.Lys969=)

Gene: ABCB11 (ATP binding cassette subfamily B member 11; minus strand). Cytogenetic location: 2q31.1.
Variant type: single nucleotide variant.
Coding change: c.2907G>A on transcript NM_003742.4 (MANE Select); coding-DNA position 2907, G replaced by A.
Protein change: p.Lys969=; no amino-acid change (lysine 969 retained).
Molecular consequence: synonymous variant.
Genome position (GRCh38, 1-based): chr2:168,935,333, C>T on the plus strand (G>A on the coding strand, the complement: ABCB11 is on the minus strand). VCF-style: chr2-168935333-C-T. GRCh37 (hg19) VCF-style: chr2-169791843-C-T.
Other names: c.2907G>A, p.Lys969= (LRG_1199t1).
Identifiers: ClinVar variation 382082 (VCV000382082.25), dbSNP rs201881755, ClinGen allele CA1951153.